The following is an entry in ClinVar:

NM_182961.4(SYNE1):c.24709G>T (p.Asp8237Tyr)

Gene: SYNE1 (spectrin repeat containing nuclear envelope protein 1; minus strand). Cytogenetic location: 6q25.2.
Variant type: single nucleotide variant.
Coding change: c.24709G>T on transcript NM_182961.4 (MANE Select); coding-DNA position 24709, G replaced by T.
Protein change: p.Asp8237Tyr; replaces aspartic acid 8237 with tyrosine.
Molecular consequence: missense variant.
Genome position (GRCh38, 1-based): chr6:152,148,312, C>A on the plus strand (G>T on the coding strand, the complement: SYNE1 is on the minus strand). VCF-style: chr6-152148312-C-A. GRCh37 (hg19) VCF-style: chr6-152469447-C-A.
Other names: c.1315G>T, p.Asp439Tyr (NM_001347701.2); c.1174G>T, p.Asp392Tyr (NM_001347702.2); c.24496G>T, p.Asp8166Tyr (NM_033071.5); short protein forms D439Y, D8237Y, D392Y, D8166Y.
Identifiers: ClinVar variation 1507185 (VCV001507185.8), dbSNP rs2152881229, ClinGen allele CA366085410.
Genomic context (GRCh38, chr6:152,148,312, plus strand): 5'-GATTGGAGGAAGGCTGTGGAGAAAGCAGGCTGTCTGCAGAGCGGTCGTGCCAGTGCAGGT[C>A]CGACAGAGCTGCAGAGTCTTCCAGCTCCAGCTCCCTGTCTGAGAGGTCGTGCTCATCGTC-3'
Protein context (NP_892006.3, residues 8227-8247): LELEDSAALS[Asp8237Tyr]LHWHDRSADS

ClinVar aggregate classification (germline): Uncertain significance (1 of 4 stars; one submission).

Conditions:
Autosomal recessive ataxia, Beauce type. Also called: SYNE1-Related Autosomal Recessive Cerebellar Ataxia; Spinocerebellar ataxia, autosomal recessive 8; ATAXIA, RECESSIVE, OF BEAUCE; SYNE1 Deficiency. Identifiers: Orphanet 88644, MedGen C1853116, MONDO:0012549, OMIM 610743.
Emery-Dreifuss muscular dystrophy 4, autosomal dominant (EDMD4). Also called: EMERY-DREIFUSS MUSCULAR DYSTROPHY 4 WITH VARIABLE FEATURES. Identifiers: Orphanet 261, MedGen C2751807, MONDO:0013071, OMIM 612998.

Submission:

Labcorp Genetics (formerly Invitae), Labcorp
Classification: Uncertain significance for Emery-Dreifuss muscular dystrophy 4, autosomal dominant; Autosomal recessive ataxia, Beauce type. Last evaluated: 2022-09-01. Review status: criteria provided, single submitter. Criteria: Invitae Variant Classification Sherloc (09022015). Collection method: clinical testing. Allele origin: germline.
Comment: In summary, the available evidence is currently insufficient to determine the role of this variant in disease. Therefore, it has been classified as a Variant of Uncertain Significance. Algorithms developed to predict the effect of missense changes on protein structure and function are either unavailable or do not agree on the potential impact of this missense change (SIFT: "Deleterious"; PolyPhen-2: "Probably Damaging"; Align-GVGD: "Class C15"). ClinVar contains an entry for this variant (Variation ID: 1507185). This variant has not been reported in the literature in individuals affected with SYNE1-related conditions. This variant is not present in population databases (gnomAD no frequency). This sequence change replaces aspartic acid, which is acidic and polar, with tyrosine, which is neutral and polar, at codon 8166 of the SYNE1 protein (p.Asp8166Tyr).